The following is an entry in ClinVar:

ClinVar aggregate classification (germline): Uncertain significance (1 of 4 stars; one submission).

Allele frequency attached by ClinVar (database versions not stated): ExAC 0.00002; TOPMed 0.00003; gnomAD 0.00004; 1000 Genomes Project 0.00020; 1000 Genomes Project 30x 0.00031.
gnomAD v4.1: 24 of 1,613,466 alleles (0.0015%); highest among the groups gnomAD compares: East Asian, 0.036%; no homozygotes.

Submission:

Labcorp Genetics (formerly Invitae), Labcorp
Classification: Uncertain significance. Last evaluated: 2023-05-22. Review status: criteria provided, single submitter. Criteria: Invitae Variant Classification Sherloc (09022015). Collection method: clinical testing. Allele origin: germline.
Comment: In summary, the available evidence is currently insufficient to determine the role of this variant in disease. Therefore, it has been classified as a Variant of Uncertain Significance. This sequence change replaces proline, which is neutral and non-polar, with leucine, which is neutral and non-polar, at codon 22 of the MYSM1 protein (p.Pro22Leu). This variant is present in population databases (rs543713311, gnomAD 0.06%). This variant has not been reported in the literature in individuals affected with MYSM1-related conditions. Algorithms developed to predict the effect of missense changes on protein structure and function output the following: SIFT: "Not Available"; PolyPhen-2: "Benign"; Align-GVGD: "Not Available". The leucine amino acid residue is found in multiple mammalian species, which suggests that this missense change does not adversely affect protein function.

NM_001085487.3(MYSM1):c.65C>T (p.Pro22Leu)

Genes: MYSM1 (Myb like, SWIRM and MPN domains 1; minus strand), LOC129930616 (ATAC-STARR-seq lymphoblastoid active region 1087; plus strand). Cytogenetic location: 1p32.1.
Variant type: single nucleotide variant.
Coding change: c.65C>T on transcript NM_001085487.3 (MANE Select); coding-DNA position 65, C replaced by T.
Protein change: p.Pro22Leu; replaces proline 22 with leucine.
Molecular consequence: missense variant.
Genome position (GRCh38, 1-based): chr1:58,699,988, G>A on the plus strand (C>T on the coding strand, the complement: MYSM1 is on the minus strand). VCF-style: chr1-58699988-G-A. GRCh37 (hg19) VCF-style: chr1-59165660-G-A.
Other names: short protein forms P22L.
Identifiers: ClinVar variation 2996025 (VCV002996025.2), dbSNP rs543713311, ClinGen allele CA878177.
Genomic context (GRCh38, chr1:58,699,988, plus strand): 5'-CGCTCCTTCAATCCACTCCCCTCTCCGCCCCAGAGAGACCCGGTCTCTAAGCCTCACCCT[G>A]GCTGTGCCCCCGCCGCCGCTACCACGTCCCCTTCGATATCCACATCCGCCTCTTCAGCCG-3'
Protein context (NP_001078956.1, residues 12-32): GDVVAAAGAQ[Pro22Leu]GSGENTASVL